The following is an entry in ClinVar:

ClinVar aggregate classification (germline): Uncertain significance (1 of 4 stars; one submission).

Conditions:
Hereditary cancer-predisposing syndrome. Also called: Neoplastic Syndromes, Hereditary; Tumor predisposition; Hereditary neoplastic syndrome; Hereditary Cancer Syndrome. Identifiers: Orphanet 140162, MedGen C0027672, MeSH D009386, MONDO:0015356.

Submission:

Ambry Genetics
Classification: Uncertain significance for Hereditary cancer-predisposing syndrome. Last evaluated: 2025-06-06. Review status: criteria provided, single submitter. Criteria: Ambry Variant Classification Scheme 2023. Collection method: clinical testing. Allele origin: germline.
Comment: The p.T332S variant (also known as c.995C>G), located in coding exon 4 of the ALK gene, results from a C to G substitution at nucleotide position 995. The threonine at codon 332 is replaced by serine, an amino acid with similar properties. This amino acid position is conserved. In addition, this alteration is predicted to be tolerated by in silico analysis. Based on the available evidence, the clinical significance of this variant remains unclear.

NM_004304.5(ALK):c.995C>G (p.Thr332Ser)

Gene: ALK (ALK receptor tyrosine kinase; minus strand). Cytogenetic location: 2p23.2.
Variant type: single nucleotide variant.
Coding change: c.995C>G on transcript NM_004304.5 (MANE Select); coding-DNA position 995, C replaced by G.
Protein change: p.Thr332Ser; replaces threonine 332 with serine.
Molecular consequence: missense variant.
Genome position (GRCh38, 1-based): chr2:29,532,074, G>C on the plus strand (C>G on the coding strand, the complement: ALK is on the minus strand). VCF-style: chr2-29532074-G-C. GRCh37 (hg19) VCF-style: chr2-29754940-G-C.
Other names: short protein forms T332S.
Identifiers: ClinVar variation 4038606 (VCV004038606.1).